The following is an entry in ClinVar:

NM_004655.4(AXIN2):c.229C>G (p.Arg77Gly)

Gene: AXIN2 (axin 2; minus strand). Cytogenetic location: 17q24.1.
Variant type: single nucleotide variant.
Coding change: c.229C>G on transcript NM_004655.4 (MANE Select); coding-DNA position 229, C replaced by G.
Protein change: p.Arg77Gly; replaces arginine 77 with glycine.
Molecular consequence: missense variant.
Genome position (GRCh38, 1-based): chr17:65,558,392, G>C on the plus strand (C>G on the coding strand, the complement: AXIN2 is on the minus strand). VCF-style: chr17-65558392-G-C. GRCh37 (hg19) VCF-style: chr17-63554510-G-C.
Other names: c.229C>G, p.Arg77Gly (NM_001363813.1); short protein forms R77G.
Identifiers: ClinVar variation 1789224 (VCV001789224.5), dbSNP rs2044306822, ClinGen allele CA400681858.
Genomic context (GRCh38, chr17:65,558,392, plus strand): 5'-TTCGGAACAGGTAAGCACCGTCTTGATCGCCCAATAAGGAGTGTAAGGACTTGGTCCACC[G>C]GGTCAGAGGGGAATCCGGAGATGCCCGCCCCTCCGGCTCCCCCAACCCATCTTCGTTCCG-3'
Protein context (NP_004646.3, residues 67-87): GRASPDSPLT[Arg77Gly]WTKSLHSLLG

ClinVar aggregate classification (germline): Uncertain significance. Review status: criteria provided, multiple submitters, no conflicts (2 of 4 stars). 2 submissions from 2 submitters: Uncertain significance (2). Last evaluated 2024-11-01.

Conditions:
Hereditary cancer-predisposing syndrome. Also called: Hereditary Cancer Syndrome; Hereditary neoplastic syndrome; Tumor predisposition; Neoplastic Syndromes, Hereditary. Identifiers: Orphanet 140162, MedGen C0027672, MeSH D009386, MONDO:0015356.
Oligodontia-cancer predisposition syndrome. Also called: TOOTH AGENESIS-COLORECTAL CANCER SYNDROME. Identifiers: Orphanet 300576, MedGen C1837750, MONDO:0012075, OMIM 608615. Disease mechanism: loss of function.

Submissions (2):

Ambry Genetics
Classification: Uncertain significance for Hereditary cancer-predisposing syndrome. Last evaluated: 2024-11-01. Review status: criteria provided, single submitter. Criteria: Ambry Variant Classification Scheme 2023. Collection method: clinical testing. Allele origin: germline.
Comment: The p.R77G variant (also known as c.229C>G), located in coding exon 1 of the AXIN2 gene, results from a C to G substitution at nucleotide position 229. The arginine at codon 77 is replaced by glycine, an amino acid with dissimilar properties. This amino acid position is well conserved in available vertebrate species. In addition, the in silico prediction for this alteration is inconclusive. Based on the available evidence, the clinical significance of this variant remains unclear.

Labcorp Genetics (formerly Invitae), Labcorp
Classification: Uncertain significance for Oligodontia-cancer predisposition syndrome. Last evaluated: 2024-04-07. Review status: criteria provided, single submitter. Criteria: Invitae Variant Classification Sherloc (09022015). Collection method: clinical testing. Allele origin: germline.
Comment: This sequence change replaces arginine, which is basic and polar, with glycine, which is neutral and non-polar, at codon 77 of the AXIN2 protein (p.Arg77Gly). This variant is not present in population databases (gnomAD no frequency). This variant has not been reported in the literature in individuals affected with AXIN2-related conditions. ClinVar contains an entry for this variant (Variation ID: 1789224). Advanced modeling of protein sequence and biophysical properties (such as structural, functional, and spatial information, amino acid conservation, physicochemical variation, residue mobility, and thermodynamic stability) performed at Invitae indicates that this missense variant is expected to disrupt AXIN2 protein function with a positive predictive value of 80%. In summary, the available evidence is currently insufficient to determine the role of this variant in disease. Therefore, it has been classified as a Variant of Uncertain Significance.